The following is an entry in ClinVar:

NM_002180.3(IGHMBP2):c.2881C>T (p.Leu961=)

Gene: IGHMBP2 (immunoglobulin mu DNA binding protein 2; plus strand). Cytogenetic location: 11q13.3.
Variant type: single nucleotide variant.
Coding change: c.2881C>T on transcript NM_002180.3 (MANE Select); coding-DNA position 2881, C replaced by T.
Protein change: p.Leu961=; no amino-acid change (leucine 961 retained).
Molecular consequence: synonymous variant.
Genome position (GRCh38, 1-based): chr11:68,939,630, C>T. VCF-style: chr11-68939630-C-T. GRCh37 (hg19) VCF-style: chr11-68707098-C-T.
Identifiers: ClinVar variation 703836 (VCV000703836.21), dbSNP rs145631247, ClinGen allele CA6154054.

ClinVar aggregate classification (germline): Conflicting classifications of pathogenicity. Review status: criteria provided, conflicting classifications (1 of 4 stars). 5 submissions from 5 submitters: Uncertain significance (1); Likely benign (4). Last evaluated 2026-01-19.

Conditions:
Autosomal recessive distal spinal muscular atrophy 1. Also called: HMN VI; NEURONOPATHY, SEVERE INFANTILE AXONAL, WITH RESPIRATORY FAILURE; SEVERE INFANTILE AXONAL NEUROPATHY WITH RESPIRATORY FAILURE; SPINAL MUSCULAR ATROPHY, DIAPHRAGMATIC; NEUROPATHY, DISTAL HEREDITARY MOTOR, AUTOSOMAL RECESSIVE 1; NEURONOPATHY, DISTAL HEREDITARY MOTOR, HARDING TYPE VI. Identifiers: Orphanet 98920, MedGen C1858517, MONDO:0011436, OMIM 604320.
Charcot-Marie-Tooth disease axonal type 2S. Also called: CHARCOT-MARIE-TOOTH DISEASE, AXONAL, AUTOSOMAL RECESSIVE, TYPE 2S; CHARCOT-MARIE-TOOTH NEUROPATHY, TYPE 2S. Identifiers: Orphanet 443073, MedGen C4015349, MONDO:0014511, OMIM 616155.
IGHMBP2-related disorder. Also called: IGHMBP2-related disorders; IGHMBP2-related condition.

Allele frequency attached by ClinVar (database versions not stated): gnomAD exomes 0.00007 and 0.00022; ExAC 0.00008; ESP Exome Variant Server 0.00008; gnomAD 0.00009 and 0.00010; TOPMed 0.00009.
gnomAD v4.1: 325 of 1,613,440 alleles (0.02%); highest among the groups gnomAD compares: Non-Finnish European, 0.027%; 1 homozygote.

Submissions (5):

Labcorp Genetics (formerly Invitae), Labcorp
Classification: Likely benign for Autosomal recessive distal spinal muscular atrophy 1; Charcot-Marie-Tooth disease axonal type 2S. Last evaluated: 2026-01-19. Review status: criteria provided, single submitter. Criteria: Invitae Variant Classification Sherloc (09022015). Collection method: clinical testing. Allele origin: germline.

PreventionGenetics, part of Exact Sciences
Classification: Likely benign for IGHMBP2-related condition. Last evaluated: 2025-05-07. Review status: criteria provided, single submitter. Criteria: ACMG Guidelines, 2015. Collection method: clinical testing. Allele origin: germline.
Comment: This variant is classified as likely benign based on ACMG/AMP sequence variant interpretation guidelines (Richards et al. 2015 PMID: 25741868, with internal and published modifications).

ARUP Laboratories, Molecular Genetics and Genomics, ARUP Laboratories
Classification: Likely benign. Last evaluated: 2024-02-05. Review status: criteria provided, single submitter. Criteria: ARUP Molecular Germline Variant Investigation Process 2024. Collection method: clinical testing. Allele origin: germline.

GeneDx
Classification: Likely benign. Last evaluated: 2021-01-18. Review status: criteria provided, single submitter. Criteria: GeneDx Variant Classification Process June 2021. Collection method: clinical testing. Allele origin: germline. Affected: yes.

Illumina Laboratory Services, Illumina
Classification: Uncertain significance for Autosomal recessive distal spinal muscular atrophy 1. Last evaluated: 2018-01-13. Review status: criteria provided, single submitter. Criteria: ICSL Variant Classification Criteria 13 December 2019. Collection method: clinical testing. Allele origin: germline.